The following is an entry in ClinVar:

NM_001876.4(CPT1A):c.1465A>G (p.Met489Val)

Gene: CPT1A (carnitine palmitoyltransferase 1A; minus strand). Cytogenetic location: 11q13.3.
Variant type: single nucleotide variant.
Coding change: c.1465A>G on transcript NM_001876.4 (MANE Select); coding-DNA position 1465, A replaced by G.
Protein change: p.Met489Val; replaces methionine 489 with valine.
Molecular consequence: missense variant.
Genome position (GRCh38, 1-based): chr11:68,775,426, T>C on the plus strand (A>G on the coding strand, the complement: CPT1A is on the minus strand). VCF-style: chr11-68775426-T-C. GRCh37 (hg19) VCF-style: chr11-68542894-T-C.
Other names: c.1465A>G, p.Met489Val (NM_001031847.3); short protein forms M489V.
Identifiers: ClinVar variation 1484724 (VCV001484724.5), dbSNP rs1027117038, ClinGen allele CA223371810.

ClinVar aggregate classification (germline): Uncertain significance (1 of 4 stars; one submission).

Conditions:
Carnitine palmitoyl transferase 1A deficiency. Also called: CPT I DEFICIENCY; CPT DEFICIENCY, HEPATIC, TYPE I; Carnitine palmitoyltransferase 1A deficiency; CPT deficiency, hepatic, type IA; Carnitine palmitoyltransferase type I deficiency. Identifiers: Orphanet 156, MedGen C1829703, MONDO:0009705, OMIM 255120.

Allele frequency attached by ClinVar (database versions not stated): gnomAD 0.00001; gnomAD exomes 0.00001 and 0.00003.
gnomAD v4.1: 42 of 1,612,348 alleles (0.0026%); highest among the groups gnomAD compares: Non-Finnish European, 0.0034%; no homozygotes.

Submission:

Labcorp Genetics (formerly Invitae), Labcorp
Classification: Uncertain significance for Carnitine palmitoyl transferase 1A deficiency. Last evaluated: 2021-09-24. Review status: criteria provided, single submitter. Criteria: Invitae Variant Classification Sherloc (09022015). Collection method: clinical testing. Allele origin: germline.
Comment: This sequence change replaces methionine with valine at codon 489 of the CPT1A protein (p.Met489Val). The methionine residue is moderately conserved and there is a small physicochemical difference between methionine and valine. This variant is not present in population databases (ExAC no frequency). This variant has not been reported in the literature in individuals with CPT1A-related conditions. Algorithms developed to predict the effect of missense changes on protein structure and function output the following: SIFT: "Tolerated"; PolyPhen-2: "Benign"; Align-GVGD: "Class C0". The valine amino acid residue is found in multiple mammalian species, suggesting that this missense change does not adversely affect protein function. These predictions have not been confirmed by published functional studies and their clinical significance is uncertain. In summary, the available evidence is currently insufficient to determine the role of this variant in disease. Therefore, it has been classified as a Variant of Uncertain Significance.